The following is an entry in ClinVar:

NM_022089.4(ATP13A2):c.265G>A (p.Val89Ile)

Gene: ATP13A2 (ATPase cation transporting 13A2; minus strand). Cytogenetic location: 1p36.13.
Variant type: single nucleotide variant.
Coding change: c.265G>A on transcript NM_022089.4 (MANE Select); coding-DNA position 265, G replaced by A.
Protein change: p.Val89Ile; replaces valine 89 with isoleucine.
Molecular consequence: missense variant.
Genome position (GRCh38, 1-based): chr1:17,005,397, C>T on the plus strand (G>A on the coding strand, the complement: ATP13A2 is on the minus strand). VCF-style: chr1-17005397-C-T. GRCh37 (hg19) VCF-style: chr1-17331892-C-T.
Other names: c.265G>A, p.Val89Ile (NM_001141973.3, NM_001141974.3); short protein forms V89I.
Identifiers: ClinVar variation 1029841 (VCV001029841.41), dbSNP rs534590083, ClinGen allele CA637714.
Genomic context (GRCh38, chr1:17,005,397, plus strand): 5'-TGCGCTTCTCTAGCCCCAGGCTCAGCCTGACTCTCACCTCTTTGTCTCTTATTTCGATAA[C>T]GAGTGTTTCGGCGTGGGCCAGGTTGCAGGGCCGGAGCCGCAGCCGCACCCCCCACAGGGG-3'
Protein context (NP_071372.1, residues 79-99): PCNLAHAETL[Val89Ile]IEIRDKEDSS

ClinVar aggregate classification (germline): Uncertain significance. Review status: criteria provided, multiple submitters, no conflicts (2 of 4 stars). 5 submissions from 5 submitters: Uncertain significance (5). Last evaluated 2023-11-13.

Conditions:
Kufor-Rakeb syndrome (KRS). Also called: PARKINSON DISEASE 9, AUTOSOMAL RECESSIVE, JUVENILE-ONSET. Identifiers: Orphanet 306674, Orphanet 314632, MedGen C1847640, MONDO:0011706, OMIM 606693.
Autosomal recessive spastic paraplegia type 78. Identifiers: Orphanet 513436, MedGen C5567893, MONDO:0014975, OMIM 617225.
Inborn genetic diseases. Identifiers: MedGen C0950123, MeSH D030342.

Allele frequency attached by ClinVar (database versions not stated): gnomAD exomes 0.00002; ExAC 0.00003; gnomAD 0.00003; TOPMed 0.00003; 1000 Genomes Project 30x 0.00016; 1000 Genomes Project 0.00020.
gnomAD v4.1: 26 of 1,608,404 alleles (0.0016%); highest among the groups gnomAD compares: Middle Eastern, 0.017%; no homozygotes.

Submissions (5):

GeneDx
Classification: Uncertain significance. Last evaluated: 2023-11-13. Review status: criteria provided, single submitter. Criteria: GeneDx Variant Classification Process June 2021. Collection method: clinical testing. Allele origin: germline. Affected: yes.
Comment: Not observed at significant frequency in large population cohorts (gnomAD); In silico analysis supports that this missense variant does not alter protein structure/function; Has not been previously published as pathogenic or benign to our knowledge

Labcorp Genetics (formerly Invitae), Labcorp
Classification: Uncertain significance for Kufor-Rakeb syndrome; Autosomal recessive spastic paraplegia type 78. Last evaluated: 2023-06-29. Review status: criteria provided, single submitter. Criteria: Invitae Variant Classification Sherloc (09022015). Collection method: clinical testing. Allele origin: germline.
Comment: In summary, the available evidence is currently insufficient to determine the role of this variant in disease. Therefore, it has been classified as a Variant of Uncertain Significance. Advanced modeling of protein sequence and biophysical properties (such as structural, functional, and spatial information, amino acid conservation, physicochemical variation, residue mobility, and thermodynamic stability) performed at Invitae indicates that this missense variant is not expected to disrupt ATP13A2 protein function. ClinVar contains an entry for this variant (Variation ID: 1029841). This variant has not been reported in the literature in individuals affected with ATP13A2-related conditions. This variant is present in population databases (rs534590083, gnomAD 0.004%). This sequence change replaces valine, which is neutral and non-polar, with isoleucine, which is neutral and non-polar, at codon 89 of the ATP13A2 protein (p.Val89Ile).

CeGaT Center for Human Genetics Tuebingen
Classification: Uncertain significance. Last evaluated: 2021-03-01. Review status: criteria provided, single submitter. Criteria: CeGaT Center For Human Genetics Tuebingen Variant Classification Criteria Version 2. Collection method: clinical testing. Allele origin: germline. Affected: yes. Observed: 1 variant allele.

Baylor Genetics
Classification: Uncertain significance for Kufor-Rakeb syndrome. Last evaluated: 2020-01-24. Review status: criteria provided, single submitter. Criteria: ACMG Guidelines, 2015. Collection method: clinical testing. Allele origin: unknown. Affected: yes.
Comment: This variant was determined to be of uncertain significance according to ACMG Guidelines, 2015 [PMID:25741868].

Ambry Genetics
Classification: Uncertain significance for Inborn genetic diseases. Last evaluated: 2017-12-16. Review status: criteria provided, single submitter. Criteria: Ambry Variant Classification Scheme 2023. Collection method: clinical testing. Allele origin: germline.
Comment: The p.V89I variant (also known as c.265G>A), located in coding exon 3 of the ATP13A2 gene, results from a G to A substitution at nucleotide position 265. The valine at codon 89 is replaced by isoleucine, an amino acid with highly similar properties. This amino acid position is well conserved in available vertebrate species. In addition, this alteration is predicted to be tolerated by in silico analysis. Since supporting evidence is limited at this time, the clinical significance of this alteration remains unclear.